The following is an entry in ClinVar:

NM_000051.4(ATM):c.1437T>G (p.Asp479Glu)

Gene: ATM (ATM serine/threonine kinase; plus strand). Cytogenetic location: 11q22.3.
Variant type: single nucleotide variant.
Coding change: c.1437T>G on transcript NM_000051.4 (MANE Select); coding-DNA position 1437, T replaced by G.
Protein change: p.Asp479Glu; replaces aspartic acid 479 with glutamic acid.
Molecular consequence: missense variant.
Genome position (GRCh38, 1-based): chr11:108,250,902, T>G. VCF-style: chr11-108250902-T-G. GRCh37 (hg19) VCF-style: chr11-108121629-T-G.
Other names: c.1437T>G, p.Asp479Glu (NM_001351834.2); short protein forms D479E.
Identifiers: ClinVar variation 630783 (VCV000630783.5), dbSNP rs1565382937, ClinGen allele CA382534067.
Genomic context (GRCh38, chr11:108,250,902, plus strand): 5'-TACGGAAGTTGCATTGTGTCAAGACAAGAGGTCAAACCTAGAAAGCTCACAAAAGTCAGA[T>G]TTATTAAAACTCTGGAATAAAATTTGGTGTATTACCTTTCGTGGTATAAGTTCTGAGCAA-3'
Protein context (NP_000042.3, residues 469-489): RSNLESSQKS[Asp479Glu]LLKLWNKIWC

ClinVar aggregate classification (germline): Uncertain significance (1 of 4 stars; one submission).

Conditions:
Hereditary cancer-predisposing syndrome. Also called: Tumor predisposition; Neoplastic Syndromes, Hereditary; Hereditary neoplastic syndrome; Hereditary Cancer Syndrome. Identifiers: Orphanet 140162, MedGen C0027672, MeSH D009386, MONDO:0015356.

Submission:

Color Diagnostics, LLC DBA Color Health
Classification: Uncertain significance for Hereditary cancer-predisposing syndrome. Last evaluated: 2023-12-05. Review status: criteria provided, single submitter. Criteria: ACMG Guidelines, 2015. Collection method: clinical testing. Allele origin: germline.
Comment: This missense variant replaces aspartic acid with glutamic acid at codon 479 of the ATM protein. Computational prediction suggests that this variant may not impact protein structure and function (internally defined REVEL score threshold <= 0.5, PMID: 27666373). To our knowledge, functional studies have not been reported for this variant. This variant has not been reported in individuals affected with ATM-related disorders in the literature. This variant has not been identified in the general population by the Genome Aggregation Database (gnomAD). The available evidence is insufficient to determine the role of this variant in disease conclusively. Therefore, this variant is classified as a Variant of Uncertain Significance.